The following is an entry in ClinVar:

NM_000211.5(ITGB2):c.349G>A (p.Val117Met)

Gene: ITGB2 (integrin subunit beta 2; minus strand). Cytogenetic location: 21q22.3.
Variant type: single nucleotide variant.
Coding change: c.349G>A on transcript NM_000211.5 (MANE Select); coding-DNA position 349, G replaced by A.
Protein change: p.Val117Met; replaces valine 117 with methionine.
Molecular consequence: missense variant.
Genome position (GRCh38, 1-based): chr21:44,903,515, C>T on the plus strand (G>A on the coding strand, the complement: ITGB2 is on the minus strand). VCF-style: chr21-44903515-C-T. GRCh37 (hg19) VCF-style: chr21-46323430-C-T.
Other names: c.349G>A, p.Val117Met (NM_001127491.3); c.142G>A, p.Val48Met (NM_001303238.2); short protein forms V48M, V117M.
Identifiers: ClinVar variation 939604 (VCV000939604.8), dbSNP rs777688420, ClinGen allele CA10063235.
Genomic context (GRCh38, chr21:44,903,515, plus strand): 5'-AGGAGAGGTCCATCAGATAGTACAGGTCGATGGGGTAGCCCTTGGCCCGCCGGAAGGTCA[C>T]GTTGAACGCTGCTGCCTGGCCTGCCGGTGGGGACAGAACAAAAGGAGCCACACCTCACAT-3'
Protein context (NP_000202.3, residues 107-127): LRPGQAAAFN[Val117Met]TFRRAKGYPI

ClinVar aggregate classification (germline): Uncertain significance (1 of 4 stars; one submission).

Conditions:
Leukocyte adhesion deficiency 1 (LAD1). Also called: LEUKOCYTE ADHESION DEFICIENCY, TYPE I; LAD 1; Lymphocyte function-associated antigen 1 immunodeficiency; LFA 1 immunodeficiency. Identifiers: Orphanet 2968, Orphanet 99842, MedGen C0398738, MONDO:0007293, OMIM 116920.

Allele frequency attached by ClinVar (database versions not stated): gnomAD exomes below 0.00001 and 0.00001; ExAC 0.00001; gnomAD 0.00001.
gnomAD v4.1: 10 of 1,613,938 alleles (0.00062%); highest among the groups gnomAD compares: Admixed American, 0.0017%; no homozygotes.

Submission:

Labcorp Genetics (formerly Invitae), Labcorp
Classification: Uncertain significance for Leukocyte adhesion deficiency 1. Last evaluated: 2019-09-13. Review status: criteria provided, single submitter. Criteria: Invitae Variant Classification Sherloc (09022015). Collection method: clinical testing. Allele origin: germline.
Comment: In summary, the available evidence is currently insufficient to determine the role of this variant in disease. Therefore, it has been classified as a Variant of Uncertain Significance. Algorithms developed to predict the effect of missense changes on protein structure and function are either unavailable or do not agree on the potential impact of this missense change (SIFT: "Deleterious"; PolyPhen-2: "Probably Damaging"; Align-GVGD: "Class C0"). This variant has not been reported in the literature in individuals with ITGB2-related conditions. This variant is present in population databases (rs777688420, ExAC 0.01%). This sequence change replaces valine with methionine at codon 117 of the ITGB2 protein (p.Val117Met). The valine residue is highly conserved and there is a small physicochemical difference between valine and methionine.